The following is an entry in ClinVar:

NM_000059.4(BRCA2):c.5286T>G (p.Tyr1762Ter)

Gene: BRCA2 (BRCA2 DNA repair associated; plus strand). Cytogenetic location: 13q13.1.
Variant type: single nucleotide variant.
Coding change: c.5286T>G on transcript NM_000059.4 (MANE Select); coding-DNA position 5286, T replaced by G.
Protein change: p.Tyr1762Ter; replaces tyrosine 1762 with a stop codon.
Molecular consequence: nonsense.
Genome position (GRCh38, 1-based): chr13:32,339,641, T>G. VCF-style: chr13-32339641-T-G. GRCh37 (hg19) VCF-style: chr13-32913778-T-G.
Other names: short protein forms Y1762*.
Identifiers: ClinVar variation 825619 (VCV000825619.23), dbSNP rs80358754, ClinGen allele CA387784772.
Genomic context (GRCh38, chr13:32,339,641, plus strand): 5'-CAGTAGCATGTCTAACAGCTATTCCTACCATTCTGATGAGGTATATAATGATTCAGGATA[T>G]CTCTCAAAAAATAAACTTGATTCTGGTATTGAGCCAGTATTGAAGAATGTTGAAGATCAA-3'

ClinVar aggregate classification (germline): Pathogenic. Review status: criteria provided, multiple submitters, no conflicts (2 of 4 stars). 4 submissions from 4 submitters: Pathogenic (3). 1 of the submissions does not count toward it. Last evaluated 2025-07-17.

Conditions:
Hereditary cancer-predisposing syndrome. Also called: Neoplastic Syndromes, Hereditary; Tumor predisposition; Hereditary neoplastic syndrome; Hereditary Cancer Syndrome. Identifiers: Orphanet 140162, MedGen C0027672, MeSH D009386, MONDO:0015356.
Malignant tumor of breast. Also called: Malignant breast neoplasm; Cancer breast. Identifiers: MedGen C0006142, MONDO:0007254. Disease mechanism: loss of function.
Hereditary breast ovarian cancer syndrome. Also called: Hereditary breast and ovarian cancer syndrome; Hereditary breast and ovarian cancer; Hereditary breast and ovarian cancer syndrome (HBOC); Breast and ovarian cancer; Hereditary breast and/or ovarian cancer syndrome; BRCA1- and BRCA2-Associated Hereditary Breast and Ovarian Cancer. Identifiers: Orphanet 145, MedGen C0677776, MeSH D061325, MONDO:0003582. Disease mechanism: loss of function.

Allele frequency attached by ClinVar (database versions not stated): gnomAD 0.00001.
gnomAD v4.1: 3 of 1,612,194 alleles (0.00019%); highest among the groups gnomAD compares: African/African-American, 0.0013%; no homozygotes.

Submissions (4):

Ambry Genetics
Classification: Pathogenic for Hereditary cancer-predisposing syndrome. Last evaluated: 2025-07-17. Review status: criteria provided, single submitter. Criteria: Ambry Variant Classification Scheme 2023. Collection method: clinical testing. Allele origin: germline.
Comment: The p.Y1762* pathogenic mutation (also known as c.5286T>G), located in coding exon 10 of the BRCA2 gene, results from a T to G substitution at nucleotide position 5286. This changes the amino acid from a tyrosine to a stop codon within coding exon 10. This variant has been reported in individuals diagnosed with ovarian cancer (Huang KL et al. Cell. 2018 Apr;173:355-370.e14). In addition to the clinical data presented in the literature, this alteration is expected to result in loss of function by premature protein truncation or nonsense-mediated mRNA decay. As such, this alteration is interpreted as a disease-causing mutation.

Color Diagnostics, LLC DBA Color Health
Classification: Pathogenic for Hereditary cancer-predisposing syndrome. Last evaluated: 2024-09-23. Review status: criteria provided, single submitter. Criteria: ACMG Guidelines, 2015. Collection method: clinical testing. Allele origin: germline.
Comment: This variant changes 1 nucleotide in exon 11 of the BRCA2 gene, creating a premature translation stop signal. This variant is expected to result in an absent or non-functional protein product. To our knowledge, functional studies have not been reported for this variant. This variant has been reported in individuals affected with ovarian cancer (PMID: 24448499, 26689913, 29625052; DOI: 10.31550/1727-2378-2018-154-10-43-46), pancreatic cancer (PMID: 35309086), and prostate cancer (PMID: 18445692, 23035815). This variant has not been identified in the general population by the Genome Aggregation Database (gnomAD). Loss of BRCA2 function is a known mechanism of disease. Based on the available evidence, this variant is classified as Pathogenic.

Labcorp Genetics (formerly Invitae), Labcorp
Classification: Pathogenic for Hereditary breast ovarian cancer syndrome. Last evaluated: 2024-08-27. Review status: criteria provided, single submitter. Criteria: Invitae Variant Classification Sherloc (09022015). Collection method: clinical testing. Allele origin: germline.
Comment: This sequence change creates a premature translational stop signal (p.Tyr1762*) in the BRCA2 gene. It is expected to result in an absent or disrupted protein product. Loss-of-function variants in BRCA2 are known to be pathogenic (PMID: 20104584). This variant is not present in population databases (gnomAD no frequency). This premature translational stop signal has been observed in individual(s) with prostate, breast, and/or ovarian cancer (PMID: 18445692, 29446198, 30130155). ClinVar contains an entry for this variant (Variation ID: 825619). For these reasons, this variant has been classified as Pathogenic.

Department of Pathology and Laboratory Medicine, Sinai Health System
Classification: Pathogenic for Malignant tumor of breast. Review status: no assertion criteria provided. Collection method: clinical testing. Allele origin: unknown. Affected: yes. Study: The Canadian Open Genetics Repository (COGR). Not counted in ClinVar's aggregate classification.
Comment: The BRCA2 p.Tyr1762X variant was not identified in the literature nor was it identified in the dbSNP, ClinVar, GeneInsight-COGR, Cosmic, MutDB, LOVD 3.0, UMD-LSDB, BIC Database, ARUP Laboratories, Zhejiang Colon Cancer Database, the 1000 Genomes Project, the NHLBI GO Exome Sequencing Project, the Exome Aggregation Consortium (August 8th 2016), or the Genome Aggregation Database (Feb 27, 2017). The c.5286T>G variant leads to a premature stop codon at position 1762 which is predicted to lead to a truncated or absent protein and loss of function. Loss of function variants of the BRCA2 gene are an established mechanism of disease in hereditary breast and ovarian cancer and is the type of variant expected to cause the disorder. In summary, based on the above information this variant meets our laboratoryâ€šÃ„Ã´s criteria to be classified as pathogenic.

Literature cited by the submitters: PubMed 29625052 (cited by Ambry Genetics and Color Diagnostics, LLC DBA Color Health); PubMed 18445692 (cited by Color Diagnostics, LLC DBA Color Health and Labcorp Genetics (formerly Invitae), Labcorp); PubMed 23035815 (cited by Color Diagnostics, LLC DBA Color Health); PubMed 24448499 (cited by Color Diagnostics, LLC DBA Color Health); PubMed 26689913 (cited by Color Diagnostics, LLC DBA Color Health); PubMed 35309086 (cited by Color Diagnostics, LLC DBA Color Health); PubMed 20104584 (cited by Labcorp Genetics (formerly Invitae), Labcorp); PubMed 29446198 (cited by Labcorp Genetics (formerly Invitae), Labcorp); PubMed 30130155 (cited by Labcorp Genetics (formerly Invitae), Labcorp).